The following is an entry in ClinVar:

ClinVar aggregate classification (germline): Conflicting classifications of pathogenicity. Review status: criteria provided, conflicting classifications (1 of 4 stars). 3 submissions from 3 submitters: Uncertain significance (2); Likely benign (1). Last evaluated 2025-11-04.

Conditions:
Hereditary cancer-predisposing syndrome. Also called: Neoplastic Syndromes, Hereditary; Tumor predisposition; Hereditary neoplastic syndrome; Hereditary Cancer Syndrome. Identifiers: Orphanet 140162, MedGen C0027672, MeSH D009386, MONDO:0015356.
Hereditary breast ovarian cancer syndrome. Also called: Hereditary breast and ovarian cancer; Hereditary breast and ovarian cancer syndrome (HBOC); Hereditary breast and/or ovarian cancer syndrome; BRCA1- and BRCA2-Associated Hereditary Breast and Ovarian Cancer; Breast and ovarian cancer; Hereditary breast and ovarian cancer syndrome. Identifiers: Orphanet 145, MedGen C0677776, MeSH D061325, MONDO:0003582. Disease mechanism: loss of function.
Breast-ovarian cancer, familial, susceptibility to, 2 (BROVCA2). Also called: BRCA2 Hereditary Breast and Ovarian Cancer. Identifiers: Orphanet 145, MedGen C2675520, MONDO:0012933, OMIM 612555. Disease mechanism: loss of function.

Allele frequency attached by ClinVar (database versions not stated): gnomAD exomes below 0.00001.
gnomAD v4.1: 4 of 1,613,804 alleles (0.00025%); highest among the groups gnomAD compares: South Asian, 0.0011%; no homozygotes.

Submissions (3):

Dasa
Classification: Uncertain significance for Breast-ovarian cancer, familial, susceptibility to, 2. Last evaluated: 2025-11-04. Review status: criteria provided, single submitter. Criteria: DASA Assertion Criteria. Collection method: clinical testing. Allele origin: germline.
Comment: NM_000059.4(BRCA2):c.7823C>A (p.Pro2608Gln) is a missense variant that results in the substitution of proline with glutamine. This variant is rare in population databases. The currently available literature and clinical evidence are not sufficient to establish a definitive association between this variant and the reported condition. Therefore, this variant is classified as a variant of uncertain significance.

Labcorp Genetics (formerly Invitae), Labcorp
Classification: Uncertain significance for Hereditary breast ovarian cancer syndrome. Last evaluated: 2025-07-07. Review status: criteria provided, single submitter. Criteria: Invitae Variant Classification Sherloc (09022015). Collection method: clinical testing. Allele origin: germline.
Comment: This sequence change replaces proline, which is neutral and non-polar, with glutamine, which is neutral and polar, at codon 2608 of the BRCA2 protein (p.Pro2608Gln). This variant is not present in population databases (gnomAD no frequency). This missense change has been observed in individual(s) with clinical features of BRCA2-related conditions (PMID: 21520333). ClinVar contains an entry for this variant (Variation ID: 462457). Invitae Evidence Modeling incorporating data from in vitro experimental studies (PMID: 33609447) indicates that this missense variant is not expected to disrupt BRCA2 function with a negative predictive value of 95%. In summary, the available evidence is currently insufficient to determine the role of this variant in disease. Therefore, it has been classified as a Variant of Uncertain Significance.

Ambry Genetics
Classification: Likely benign for Hereditary cancer-predisposing syndrome. Last evaluated: 2022-01-04. Review status: criteria provided, single submitter. Criteria: Ambry Variant Classification Scheme 2023. Collection method: clinical testing. Allele origin: germline.

Literature cited by the submitters: PubMed 21520333 (cited by Labcorp Genetics (formerly Invitae), Labcorp); PubMed 33609447 (cited by Labcorp Genetics (formerly Invitae), Labcorp).

NM_000059.4(BRCA2):c.7823C>A (p.Pro2608Gln)

Gene: BRCA2 (BRCA2 DNA repair associated; plus strand). Cytogenetic location: 13q13.1.
Variant type: single nucleotide variant.
Coding change: c.7823C>A on transcript NM_000059.4 (MANE Select); coding-DNA position 7823, C replaced by A.
Protein change: p.Pro2608Gln; replaces proline 2608 with glutamine.
Molecular consequence: missense variant.
Genome position (GRCh38, 1-based): chr13:32,362,540, C>A. VCF-style: chr13-32362540-C-A. GRCh37 (hg19) VCF-style: chr13-32936677-C-A.
Other names: short protein forms P2608Q.
Identifiers: ClinVar variation 462457 (VCV000462457.14), dbSNP rs1555286825, ClinGen allele CA387746992.